The following is an entry in ClinVar:

NM_000059.4(BRCA2):c.4869A>C (p.Gln1623His)

Gene: BRCA2 (BRCA2 DNA repair associated; plus strand). Cytogenetic location: 13q13.1.
Variant type: single nucleotide variant.
Coding change: c.4869A>C on transcript NM_000059.4 (MANE Select); coding-DNA position 4869, A replaced by C.
Protein change: p.Gln1623His; replaces glutamine 1623 with histidine.
Molecular consequence: missense variant. On other transcripts: non-coding transcript variant (1), intron variant (2).
Genome position (GRCh38, 1-based): chr13:32,339,224, A>C. VCF-style: chr13-32339224-A-C. GRCh37 (hg19) VCF-style: chr13-32913361-A-C.
Other names: c.4869A>C, p.Gln1623His (NM_001406719.1, NM_001406720.1, NM_001432077.1); c.1910-5334A>C (NM_001406721.1); c.425-5334A>C (NM_001406722.1); short protein forms Q1623H.
Identifiers: ClinVar variation 4215855 (VCV004215855.1).

ClinVar aggregate classification (germline): Uncertain significance (1 of 4 stars; one submission).

Conditions:
Hereditary cancer-predisposing syndrome. Also called: Hereditary Cancer Syndrome; Hereditary neoplastic syndrome; Neoplastic Syndromes, Hereditary; Tumor predisposition. Identifiers: Orphanet 140162, MedGen C0027672, MeSH D009386, MONDO:0015356.

Submission:

Ambry Genetics
Classification: Uncertain significance for Hereditary cancer-predisposing syndrome. Last evaluated: 2025-07-07. Review status: criteria provided, single submitter. Criteria: Ambry Variant Classification Scheme 2023. Collection method: clinical testing. Allele origin: germline.
Comment: The p.Q1623H variant (also known as c.4869A>C), located in coding exon 10 of the BRCA2 gene, results from an A to C substitution at nucleotide position 4869. The glutamine at codon 1623 is replaced by histidine, an amino acid with highly similar properties. This amino acid position is conserved. In addition, this alteration is predicted to be tolerated by in silico analysis. Based on the available evidence, the clinical significance of this variant remains unclear.